The following is an entry in ClinVar:

ClinVar aggregate classification (germline): Uncertain significance (1 of 4 stars; one submission).

Conditions:
Spermatogenic failure 18. Identifiers: MedGen C4539783, MONDO:0054615, OMIM 617576.
Ciliary dyskinesia, primary, 37 (CILD37). Also called: CILIARY DYSKINESIA, PRIMARY, 37, WITH OR WITHOUT SITUS INVERSUS. Identifiers: MedGen C4539798, MONDO:0033204, OMIM 617577.

Allele frequency attached by ClinVar (database versions not stated): ExAC 0.00001; gnomAD 0.00001; gnomAD exomes 0.00001; TOPMed 0.00002.

Submission:

Labcorp Genetics (formerly Invitae), Labcorp
Classification: Uncertain significance for Ciliary dyskinesia, primary, 37; Spermatogenic failure 18. Last evaluated: 2022-08-15. Review status: criteria provided, single submitter. Criteria: Invitae Variant Classification Sherloc (09022015). Collection method: clinical testing. Allele origin: germline.
Comment: In summary, the available evidence is currently insufficient to determine the role of this variant in disease. Therefore, it has been classified as a Variant of Uncertain Significance. Algorithms developed to predict the effect of sequence changes on RNA splicing suggest that this variant may create or strengthen a splice site. Algorithms developed to predict the effect of missense changes on protein structure and function (SIFT, PolyPhen-2, Align-GVGD) all suggest that this variant is likely to be tolerated. ClinVar contains an entry for this variant (Variation ID: 1495137). This variant has not been reported in the literature in individuals affected with DNAH1-related conditions. This variant is present in population databases (rs767725838, gnomAD 0.004%). This sequence change replaces methionine, which is neutral and non-polar, with leucine, which is neutral and non-polar, at codon 1016 of the DNAH1 protein (p.Met1016Leu).

NM_015512.5(DNAH1):c.3046A>T (p.Met1016Leu)

Gene: DNAH1 (dynein axonemal heavy chain 1; plus strand). Cytogenetic location: 3p21.1.
Variant type: single nucleotide variant.
Coding change: c.3046A>T on transcript NM_015512.5 (MANE Select); coding-DNA position 3046, A replaced by T.
Protein change: p.Met1016Leu; replaces methionine 1016 with leucine.
Molecular consequence: missense variant.
Genome position (GRCh38, 1-based): chr3:52,353,121, A>T. VCF-style: chr3-52353121-A-T. GRCh37 (hg19) VCF-style: chr3-52387137-A-T.
Other names: short protein forms M1016L.
Identifiers: ClinVar variation 1495137 (VCV001495137.8), dbSNP rs767725838, ClinGen allele CA2433472.
Genomic context (GRCh38, chr3:52,353,121, plus strand): 5'-GTGTCCCAAGACAGCCCCAGCCCTGCCCTCCTGTCCCTGCAGTATGACAAGCTCTCCAGG[A>T]TGGTGAAGGAGTTCCAACCCTACCTGGACCTTTGGACCACAGCGTCTGACTGGCTGCGCT-3'
Protein context (NP_056327.4, residues 1006-1026): PITNYDKLSR[Met1016Leu]VKEFQPYLDL